The following is an entry in ClinVar:

ClinVar aggregate classification (germline): Likely benign (1 of 4 stars; one submission).

gnomAD v4.1: 250 of 1,610,520 alleles (0.016%); highest among the groups gnomAD compares: Non-Finnish European, 0.019%; no homozygotes.

Submission:

CeGaT Center for Human Genetics Tuebingen
Classification: Likely benign. Last evaluated: 2024-08-01. Review status: criteria provided, single submitter. Criteria: CeGaT Center For Human Genetics Tuebingen Variant Classification Criteria Version 2. Collection method: clinical testing. Allele origin: germline. Affected: yes. Observed: 1 variant allele.
Comment: SLC7A6OS: BP4, BP7

NM_032178.3(SLC7A6OS):c.390C>G (p.Ala130=)

Gene: SLC7A6OS (solute carrier family 7 member 6 opposite strand; minus strand). Cytogenetic location: 16q22.1.
Variant type: single nucleotide variant.
Coding change: c.390C>G on transcript NM_032178.3 (MANE Select); coding-DNA position 390, C replaced by G.
Protein change: p.Ala130=; no amino-acid change (alanine 130 retained).
Molecular consequence: synonymous variant.
Genome position (GRCh38, 1-based): chr16:68,310,416, G>C on the plus strand (C>G on the coding strand, the complement: SLC7A6OS is on the minus strand). VCF-style: chr16-68310416-G-C. GRCh37 (hg19) VCF-style: chr16-68344319-G-C.
Identifiers: ClinVar variation 3341758 (VCV003341758.16).
Genomic context (GRCh38, chr16:68,310,416, plus strand): 5'-GGCTTCAGGTTCTCCCTCCTCGTGGACAAGGTCTAACAACTGAAAGCCCGAGTTCCCGGC[G>C]GCTTCTGGGTTCCCCGGCGTGTACTCGGACTCCTGGCCGCTCGAGGTGGTCCCCAAGGAT-3'
Protein context (NP_115554.2, residues 120-140): ESEYTPGNPE[Ala130=]AGNSGFQLLD